The following is an entry in ClinVar:

NM_001042545.2(LTBP4):c.2442G>T (p.Glu814Asp)

Gene: LTBP4 (latent transforming growth factor beta binding protein 4; plus strand). Cytogenetic location: 19q13.2.
Variant type: single nucleotide variant.
Coding change: c.2442G>T on transcript NM_001042545.2 (MANE Select); coding-DNA position 2442, G replaced by T.
Protein change: p.Glu814Asp; replaces glutamic acid 814 with aspartic acid.
Molecular consequence: missense variant.
Genome position (GRCh38, 1-based): chr19:40,613,414, G>T. VCF-style: chr19-40613414-G-T. GRCh37 (hg19) VCF-style: chr19-41119320-G-T.
Other names: c.2643G>T, p.Glu881Asp (NM_001042544.1); c.2532G>T, p.Glu844Asp (NM_003573.2); short protein forms E814D, E844D, E881D.
Identifiers: ClinVar variation 1311583 (VCV001311583.5), dbSNP rs765810210, ClinGen allele CA9448683.
Genomic context (GRCh38, chr19:40,613,414, plus strand): 5'-GTCTGGGAGGCCGGGTCCCGTGACTCCGCCCAATCTCCCGCGTACCCTAGACGTGAACGA[G>T]TGCCTGGAGGGCGATTTCTGCTTCCCTCACGGCGAGTGCCTCAACACTGACGGCTCCTTT-3'
Protein context (NP_001036010.1, residues 804-824): GRPGPCADVN[Glu814Asp]CLEGDFCFPH

ClinVar aggregate classification (germline): Uncertain significance. Review status: criteria provided, multiple submitters, no conflicts (2 of 4 stars). 2 submissions from 2 submitters: Uncertain significance (2). Last evaluated 2024-03-13.

Conditions:
Inborn genetic diseases. Identifiers: MedGen C0950123, MeSH D030342.

Allele frequency attached by ClinVar (database versions not stated): gnomAD exomes below 0.00001; ExAC 0.00001; gnomAD 0.00002; TOPMed 0.00003.
gnomAD v4.1: 6 of 1,606,626 alleles (0.00037%); highest among the groups gnomAD compares: African/African-American, 0.0067%; no homozygotes.

Submissions (2):

GeneDx
Classification: Uncertain significance. Last evaluated: 2024-03-13. Review status: criteria provided, single submitter. Criteria: GeneDx Variant Classification Process June 2021. Collection method: clinical testing. Allele origin: germline. Affected: yes.
Comment: Not observed at a significant frequency in large population cohorts (gnomAD); In silico analysis supports that this missense variant has a deleterious effect on protein structure/function; Has not been previously published as pathogenic or benign to our knowledge

Ambry Genetics
Classification: Uncertain significance for Inborn genetic diseases. Last evaluated: 2021-07-09. Review status: criteria provided, single submitter. Criteria: Ambry Variant Classification Scheme 2023. Collection method: clinical testing. Allele origin: germline.